The following is an entry in ClinVar:

ClinVar aggregate classification (germline): Uncertain significance. Review status: reviewed by expert panel (3 of 4 stars). 6 submissions from 6 submitters: Uncertain significance (1). 5 of the submissions do not count toward it. Last evaluated 2021-08-25.

Conditions:
MYH7-related disorder. Also called: MYH7-related disorders; MYH7-related condition; MYH7-related disease.
Cardiovascular phenotype. Identifiers: MedGen CN230736.
Hypertrophic cardiomyopathy. Also called: HYPERTROPHIC MYOCARDIOPATHY. Identifiers: Orphanet 217569, MedGen C0007194, MeSH D002312, MONDO:0005045, HP:0001639.

Allele frequency attached by ClinVar (database versions not stated): gnomAD exomes below 0.00001.
gnomAD v4.1: 3 of 1,614,268 alleles (0.00019%); highest among the groups gnomAD compares: Non-Finnish European, 0.00025%; no homozygotes.

Submissions (6):

ClinGen Cardiomyopathy Variant Curation Expert Panel
Classification: Uncertain significance for Hypertrophic cardiomyopathy. Last evaluated: 2021-08-25. Review status: reviewed by expert panel. Criteria: ClinGen CMP ACMG Specifications v1. Collection method: curation. Allele origin: germline. Inheritance: Autosomal dominant inheritance.
Comment: The c.707T>C (p.Val236Ala) variant in MYH7 has been identified in 2 individuals with HCM (PS4_Supporting; Walsh 2017 PMID:27532257; GeneDx pers comm; LMM pers comm). This variant has also been observed in relatives with non-compaction cardiomyopathy, though this is considered insufficient to apply PP1. This variant was absent from large population studies (PM2). This variant lies in the head region of the protein (aa 181-937) and missense variants in this region are statistically more likely to be associated with HCM (PM1; Walsh 2017 PMID:27532257). Computational prediction tools and conservation analysis were mixed about the potential impact of this variant. In summary, due to a lack of evidence, this variant is classified as uncertain significance for hypertrophic cardiomyopathy in an autosomal dominant manner. MYH7-specific ACMG/AMP criteria applied (Kelly 2018 PMID:29300372): PS4_Supporting; PM2, PM1.

Labcorp Genetics (formerly Invitae), Labcorp
Classification: Uncertain significance for Hypertrophic cardiomyopathy. Last evaluated: 2026-01-14. Review status: criteria provided, single submitter. Criteria: Invitae Variant Classification Sherloc (09022015). Collection method: clinical testing. Allele origin: germline. Not counted in ClinVar's aggregate classification.
Comment: This sequence change replaces valine, which is neutral and non-polar, with alanine, which is neutral and non-polar, at codon 236 of the MYH7 protein (p.Val236Ala). This variant is not present in population databases (gnomAD no frequency). This missense change has been observed in individual(s) with clinical features of hypertrophic cardiomyopathy (PMID: 27532257, 33673806, 37652022). ClinVar contains an entry for this variant (Variation ID: 43097). Invitae Evidence Modeling of protein sequence and biophysical properties (such as structural, functional, and spatial information, amino acid conservation, physicochemical variation, residue mobility, and thermodynamic stability) indicates that this missense variant is expected to disrupt MYH7 protein function with a positive predictive value of 95%. This variant is found within a region of MYH7 between codons 181 and 937 that contains the majority of the myosin head domain. Missense variants in this region have been shown to be significantly overrepresented in individuals with hypertrophic cardiomyopathy (PMID: 27532257). In summary, the available evidence is currently insufficient to determine the role of this variant in disease. Therefore, it has been classified as a Variant of Uncertain Significance.

Ambry Genetics
Classification: Uncertain significance for Cardiovascular phenotype. Last evaluated: 2021-09-10. Review status: criteria provided, single submitter. Criteria: Ambry Variant Classification Scheme 2023. Collection method: clinical testing. Allele origin: germline. Not counted in ClinVar's aggregate classification.

Laboratory for Molecular Medicine, Mass General Brigham Personalized Medicine
Classification: Uncertain significance. Last evaluated: 2019-07-17. Review status: criteria provided, single submitter. Criteria: LMM Criteria. Collection method: clinical testing. Allele origin: germline. Observed: 2 variant alleles. Not counted in ClinVar's aggregate classification.
Comment: It has been reportedi n ClinVar (Variation ID #43097). Computational prediction tools and conservation analyses do not provide strong support for or against an impact to the protein. This variant lies in the head region of the protein and missense variants in this region are statistically more likely to be disease-associated (Walsh 2016). In summary, the clinical significance of this variant is uncertain. ACMG/AMP Criteria applied: PM1, PM2.

Blueprint Genetics
Classification: Likely pathogenic for MYH7-related disorders. Last evaluated: 2018-08-30. Review status: criteria provided, single submitter. Criteria: ACMG Guidelines, 2015. Collection method: clinical testing. Allele origin: germline. Affected: yes. Observed: 1 variant allele. Not counted in ClinVar's aggregate classification.

GeneDx
Classification: Uncertain significance. Last evaluated: 2016-01-04. Review status: criteria provided, single submitter. Criteria: GeneDx Variant Classification (06012015). Collection method: clinical testing. Allele origin: germline. Affected: yes. Not counted in ClinVar's aggregate classification.
Comment: The V236A variant has not been published as a pathogenic variant, nor has it been reported as a benign variant to our knowledge. However, this variant has been reported as a variant of uncertain significance in the ClinVar database by an outside laboratory (Landrum et al., 2014). The V236A variant was not observed in approximately 6,500 individuals of European and African American ancestry in the NHLBI Exome Sequencing Project, indicating it is not a common benign variant in these populations. This substitution occurs at a position where amino acids with similar properties to Valine are tolerated across species. However, the V236A variant is a conservative amino acid substitution, which is not likely to impact secondary protein structure as these residues share similar properties. Lastly, in silico analysis is inconsistent in its predictions as to whether or not the variant is damaging to the protein structure/function.Therefore, based on the currently available information, it is unclear whether this variant is pathogenic or rare benign.

Literature cited by the submitters: PubMed 27532257 (cited by Labcorp Genetics (formerly Invitae), Labcorp); PubMed 33673806 (cited by Labcorp Genetics (formerly Invitae), Labcorp); PubMed 37652022 (cited by Labcorp Genetics (formerly Invitae), Labcorp).

NM_000257.4(MYH7):c.707T>C (p.Val236Ala)

Gene: MYH7 (myosin heavy chain 7; minus strand). Cytogenetic location: 14q11.2.
Variant type: single nucleotide variant.
Coding change: c.707T>C on transcript NM_000257.4 (MANE Select); coding-DNA position 707, T replaced by C.
Protein change: p.Val236Ala; replaces valine 236 with alanine.
Molecular consequence: missense variant.
Genome position (GRCh38, 1-based): chr14:23,431,610, A>G on the plus strand (T>C on the coding strand, the complement: MYH7 is on the minus strand). VCF-style: chr14-23431610-A-G. GRCh37 (hg19) VCF-style: chr14-23900819-A-G.
Other names: NM_000257.4(MYH7):c.707T>C; short protein forms V236A.
Identifiers: ClinVar variation 43097 (VCV000043097.17), dbSNP rs397516262, ClinGen allele CA016653.
Genomic context (GRCh38, chr14:23,431,610, plus strand): 5'-TCCAAGTCCCAAGGCCAAGGTCAGGGACCACTCACGAAGCGGGAGGAGTTGTCGTTCCGG[A>G]CGGTCTTGGCATTGCCAAAGGCCTCCAGAGCAGGGTTGGCCTGGATGATCTGGTCCTCCA-3'
Protein context (NP_000248.2, residues 226-246): ALEAFGNAKT[Val236Ala]RNDNSSRFGK